The following is an entry in ClinVar:

NM_006662.3(SRCAP):c.3856C>T (p.Pro1286Ser)

Gene: SRCAP (Snf2 related CREBBP activator protein; plus strand). Cytogenetic location: 16p11.2.
Variant type: single nucleotide variant.
Coding change: c.3856C>T on transcript NM_006662.3 (MANE Select); coding-DNA position 3856, C replaced by T.
Protein change: p.Pro1286Ser; replaces proline 1286 with serine.
Molecular consequence: missense variant.
Genome position (GRCh38, 1-based): chr16:30,722,712, C>T. VCF-style: chr16-30722712-C-T. GRCh37 (hg19) VCF-style: chr16-30734033-C-T.
Other names: short protein forms P1286S.
Identifiers: ClinVar variation 2571921 (VCV002571921.2), dbSNP rs894832402, ClinGen allele CA280512582.
Genomic context (GRCh38, chr16:30,722,712, plus strand): 5'-ACCCCTGGCCCTACCCCTGTCTCTGTGCTGCCTTCTTCGACCCCCAGCACCACCCCTGCC[C>T]CTACTGGCCTCAGCCTTCCGCTTGCTGCTAACCAGGGTGAGGCTCCTGGCCTTCCTACTT-3'
Protein context (NP_006653.2, residues 1276-1296): PSSTPSTTPA[Pro1286Ser]TGLSLPLAAN

ClinVar aggregate classification (germline): Uncertain significance (1 of 4 stars; one submission).

Allele frequency attached by ClinVar (database versions not stated): gnomAD exomes below 0.00001.
gnomAD v4.1: 1 of 1,613,654 alleles (0.000062%); highest among the groups gnomAD compares: Non-Finnish European, 0.000085%; no homozygotes.

Submission:

GeneDx
Classification: Uncertain significance. Last evaluated: 2025-09-15. Review status: criteria provided, single submitter. Criteria: GeneDx Variant Classification Process June 2021. Collection method: clinical testing. Allele origin: germline. Affected: yes.
Comment: In silico analysis suggests that this missense variant does not alter protein structure/function; Has not been previously published as pathogenic or benign to our knowledge